The following is an entry in ClinVar:

NM_138295.5(PKD1L1):c.2145C>T (p.Tyr715=)

Gene: PKD1L1 (polycystin 1 like 1, transient receptor potential channel interacting; minus strand). Cytogenetic location: 7p12.3.
Variant type: single nucleotide variant.
Coding change: c.2145C>T on transcript NM_138295.5 (MANE Select); coding-DNA position 2145, C replaced by T.
Protein change: p.Tyr715=; no amino-acid change (tyrosine 715 retained).
Molecular consequence: synonymous variant.
Genome position (GRCh38, 1-based): chr7:47,898,114, G>A on the plus strand (C>T on the coding strand, the complement: PKD1L1 is on the minus strand). VCF-style: chr7-47898114-G-A. GRCh37 (hg19) VCF-style: chr7-47937711-G-A.
Other names: c.2145C>T (NM_138295.3).
Identifiers: ClinVar variation 2894304 (VCV002894304.4), dbSNP rs147531158, ClinGen allele CA4253844.

ClinVar aggregate classification (germline): Likely benign. Review status: criteria provided, multiple submitters, no conflicts (2 of 4 stars). 2 submissions from 2 submitters: Likely benign (2). Last evaluated 2025-03-05.

Conditions:
PKD1L1-related disorder. Also called: PKD1L1-related condition.

Allele frequency attached by ClinVar (database versions not stated): ExAC 0.00002; gnomAD 0.00005; TOPMed 0.00005; gnomAD exomes 0.00008; ESP Exome Variant Server 0.00015.
gnomAD v4.1: 123 of 1,613,974 alleles (0.0076%); highest among the groups gnomAD compares: Non-Finnish European, 0.01%; 1 homozygote.

Submissions (2):

PreventionGenetics, part of Exact Sciences
Classification: Likely benign for PKD1L1-related condition. Last evaluated: 2025-03-05. Review status: criteria provided, single submitter. Criteria: ACMG Guidelines, 2015. Collection method: clinical testing. Allele origin: germline.
Comment: This variant is classified as likely benign based on ACMG/AMP sequence variant interpretation guidelines (Richards et al. 2015 PMID: 25741868, with internal and published modifications).

Labcorp Genetics (formerly Invitae), Labcorp
Classification: Likely benign. Last evaluated: 2022-12-18. Review status: criteria provided, single submitter. Criteria: Invitae Variant Classification Sherloc (09022015). Collection method: clinical testing. Allele origin: germline.